The following is an entry in ClinVar:

ClinVar aggregate classification (germline): Uncertain significance. Review status: criteria provided, multiple submitters, no conflicts (2 of 4 stars). 2 submissions from 2 submitters: Uncertain significance (2). Last evaluated 2022-10-25.

Conditions:
Inborn genetic diseases. Identifiers: MedGen C0950123, MeSH D030342.

Allele frequency attached by ClinVar (database versions not stated): gnomAD exomes 0.00001; TOPMed below 0.00001; ExAC 0.00001; gnomAD 0.00003.
gnomAD v4.1: 13 of 1,614,026 alleles (0.00081%); highest among the groups gnomAD compares: Non-Finnish European, 0.0011%; no homozygotes.

Submissions (2):

Ambry Genetics
Classification: Uncertain significance for Inborn genetic diseases. Last evaluated: 2022-10-25. Review status: criteria provided, single submitter. Criteria: Ambry Variant Classification Scheme 2023. Collection method: clinical testing. Allele origin: germline.

Labcorp Genetics (formerly Invitae), Labcorp
Classification: Uncertain significance. Last evaluated: 2022-05-21. Review status: criteria provided, single submitter. Criteria: Invitae Variant Classification Sherloc (09022015). Collection method: clinical testing. Allele origin: germline.
Comment: In summary, the available evidence is currently insufficient to determine the role of this variant in disease. Therefore, it has been classified as a Variant of Uncertain Significance. This sequence change replaces lysine, which is basic and polar, with glutamic acid, which is acidic and polar, at codon 787 of the AFG3L2 protein (p.Lys787Glu). This variant is present in population databases (rs761546721, gnomAD 0.004%). This variant has not been reported in the literature in individuals affected with AFG3L2-related conditions. Advanced modeling of protein sequence and biophysical properties (such as structural, functional, and spatial information, amino acid conservation, physicochemical variation, residue mobility, and thermodynamic stability) performed at Invitae indicates that this missense variant is not expected to disrupt AFG3L2 protein function.

NM_006796.3(AFG3L2):c.2359A>G (p.Lys787Glu)

Genes: AFG3L2 (AFG3 like matrix AAA peptidase subunit 2; minus strand), TUBB6 (tubulin beta 6 class V; plus strand). Cytogenetic location: 18p11.21.
Variant type: single nucleotide variant.
Coding change: c.2359A>G on transcript NM_006796.3 (MANE Select); coding-DNA position 2359, A replaced by G.
Protein change: p.Lys787Glu; replaces lysine 787 with glutamic acid.
Molecular consequence: missense variant. On other transcripts: 3 prime UTR variant (1).
Genome position (GRCh38, 1-based): chr18:12,329,600, T>C on the plus strand (A>G on the coding strand, the complement: AFG3L2 is on the minus strand). VCF-style: chr18-12329600-T-C. GRCh37 (hg19) VCF-style: chr18-12329599-T-C.
Other names: c.*417T>C (NM_001303525.2); short protein forms K787E.
Identifiers: ClinVar variation 1924780 (VCV001924780.5), dbSNP rs761546721, ClinGen allele CA8896218.
Genomic context (GRCh38, chr18:12,329,600, plus strand): 5'-ACTGAGATGGCCTCCCTCTGGGCCTCTAGTTGGCAACTTTCTCACCCGGGGGCTCCTCTT[T>C]CTCCTTTTCCCGCTCCTTGTTCCAGTCCTTAAGGCCTTCTGGAAGTGAGGTGTCCTCATC-3'
Protein context (NP_006787.2, residues 777-797): KDWNKEREKE[Lys787Glu]EEPPGEKVAN